The following is an entry in ClinVar:

ClinVar aggregate classification (germline): Uncertain significance (1 of 4 stars; one submission).

Conditions:
Hereditary cancer-predisposing syndrome. Also called: Hereditary neoplastic syndrome; Neoplastic Syndromes, Hereditary; Tumor predisposition; Hereditary Cancer Syndrome. Identifiers: Orphanet 140162, MedGen C0027672, MeSH D009386, MONDO:0015356.

Submission:

Ambry Genetics
Classification: Uncertain significance for Hereditary cancer-predisposing syndrome. Last evaluated: 2025-08-27. Review status: criteria provided, single submitter. Criteria: Ambry Variant Classification Scheme 2023. Collection method: clinical testing. Allele origin: germline.
Comment: The p.L77F variant (also known as c.231G>C), located in coding exon 3 of the MUTYH gene, results from a G to C substitution at nucleotide position 231. The leucine at codon 77 is replaced by phenylalanine, an amino acid with highly similar properties. This amino acid position is conserved. In addition, this alteration is predicted to be tolerated by in silico analysis. Based on the available evidence, the clinical significance of this variant remains unclear.

NM_001048174.2(MUTYH):c.147G>C (p.Leu49Phe)

Gene: MUTYH (mutY DNA glycosylase; minus strand). Cytogenetic location: 1p34.1.
Variant type: single nucleotide variant.
Coding change: c.147G>C on transcript NM_001048174.2 (MANE Select); coding-DNA position 147, G replaced by C.
Protein change: p.Leu49Phe; replaces leucine 49 with phenylalanine.
Molecular consequence: missense variant. On other transcripts: non-coding transcript variant (5), intron variant (5), 5 prime UTR variant (1).
Genome position (GRCh38, 1-based): chr1:45,333,530, C>G on the plus strand (G>C on the coding strand, the complement: MUTYH is on the minus strand). VCF-style: chr1-45333530-C-G. GRCh37 (hg19) VCF-style: chr1-45799202-C-G.
Other names: c.-92-33G>C (NM_001350651.2, NM_001407082.1); c.-97-33G>C (NM_001293192.2, NM_001293196.2, NM_001407091.1); c.147G>C, p.Leu49Phe (NM_001048171.2, NM_001048173.2, NM_001293195.2 and 6 more transcripts); c.150G>C, p.Leu50Phe (NM_001048172.2, NM_001407071.1, NM_001407078.1 and 2 more transcripts); c.231G>C, p.Leu77Phe (NM_001128425.2); c.192G>C, p.Leu64Phe (NM_001293190.2); c.180G>C, p.Leu60Phe (NM_001293191.2, NM_001407077.1); c.-125G>C (NM_001350650.2); and 4 more; short protein forms L50F, L60F, L64F, L21F, L56F, L77F, L74F, L49F.
Identifiers: ClinVar variation 4113533 (VCV004113533.1).
Genomic context (GRCh38, chr1:45,333,530, plus strand): 5'-TCGGAAGGCTGTGACTTCAGCTACGTCTCTGAATAGATGGTATGAGGAGACAGAGGCCTG[C>G]AATACCACCTCTTCCGGCTGCCTGGCCAGGCCTGCTGGGGCCCCAGGACACTCAGCAATC-3'
Protein context (NP_001041639.1, residues 39-59): GLARQPEEVV[Leu49Phe]QASVSSYHLF